The following is an entry in ClinVar:

NM_032119.4(ADGRV1):c.2699T>C (p.Met900Thr)

Gene: ADGRV1 (adhesion G protein-coupled receptor V1; plus strand). Cytogenetic location: 5q14.3.
Variant type: single nucleotide variant.
Coding change: c.2699T>C on transcript NM_032119.4 (MANE Select); coding-DNA position 2699, T replaced by C.
Protein change: p.Met900Thr; replaces methionine 900 with threonine.
Molecular consequence: missense variant. On other transcripts: non-coding transcript variant (1).
Genome position (GRCh38, 1-based): chr5:90,643,948, T>C. VCF-style: chr5-90643948-T-C. GRCh37 (hg19) VCF-style: chr5-89939765-T-C.
Other names: short protein forms M900T.
Identifiers: ClinVar variation 1404564 (VCV001404564.3), dbSNP rs747148780, ClinGen allele CA3338987.

ClinVar aggregate classification (germline): Uncertain significance (1 of 4 stars; one submission).

Allele frequency attached by ClinVar (database versions not stated): gnomAD exomes below 0.00001 and 0.00001; ExAC 0.00001.
gnomAD v4.1: 8 of 1,611,694 alleles (0.0005%); highest among the groups gnomAD compares: Admixed American, 0.0017%; no homozygotes.

Submission:

Labcorp Genetics (formerly Invitae), Labcorp
Classification: Uncertain significance. Last evaluated: 2021-08-15. Review status: criteria provided, single submitter. Criteria: Invitae Variant Classification Sherloc (09022015). Collection method: clinical testing. Allele origin: germline.
Comment: This sequence change replaces methionine with threonine at codon 900 of the ADGRV1 protein (p.Met900Thr). The methionine residue is weakly conserved and there is a moderate physicochemical difference between methionine and threonine. This variant is present in population databases (rs747148780, ExAC 0.01%). This variant has not been reported in the literature in individuals affected with ADGRV1-related conditions. Algorithms developed to predict the effect of missense changes on protein structure and function output the following: SIFT: "Tolerated"; PolyPhen-2: "Benign"; Align-GVGD: "Class C0". The threonine amino acid residue is found in multiple mammalian species, which suggests that this missense change does not adversely affect protein function. In summary, the available evidence is currently insufficient to determine the role of this variant in disease. Therefore, it has been classified as a Variant of Uncertain Significance.